The following is an entry in ClinVar:

NM_000384.3(APOB):c.677C>A (p.Ala226Asp)

Gene: APOB (apolipoprotein B; minus strand). Cytogenetic location: 2p24.1.
Variant type: single nucleotide variant.
Coding change: c.677C>A on transcript NM_000384.3 (MANE Select); coding-DNA position 677, C replaced by A.
Protein change: p.Ala226Asp; replaces alanine 226 with aspartic acid.
Molecular consequence: missense variant.
Genome position (GRCh38, 1-based): chr2:21,037,116, G>T on the plus strand (C>A on the coding strand, the complement: APOB is on the minus strand). VCF-style: chr2-21037116-G-T. GRCh37 (hg19) VCF-style: chr2-21259988-G-T.
Other names: c.677C>A (NM_000384.2); short protein forms A226D.
Identifiers: ClinVar variation 3762414 (VCV003762414.3).

ClinVar aggregate classification (germline): Conflicting classifications of pathogenicity. Review status: criteria provided, conflicting classifications (1 of 4 stars). 2 submissions from 2 submitters: Uncertain significance (1); Likely benign (1). Last evaluated 2026-07-02.

Conditions:
Familial hypobetalipoproteinemia 1. Also called: APOB-Related Familial Hypobetalipoproteinemia; Hypobetalipoproteinemia, normotriglyceridemic; Acanthocytosis with hypobetalipoproteinemia. Identifiers: MedGen C4551990, MONDO:0014252, OMIM 615558.
Hypercholesterolemia, autosomal dominant, type B (FHCL2). Also called: Familial Hypercholesterolemia Type B; APOLIPOPROTEIN B-100, FAMILIAL DEFECTIVE; APOLIPOPROTEIN B-100, FAMILIAL LIGAND-DEFECTIVE; HYPERCHOLESTEROLEMIA, FAMILIAL, DUE TO LIGAND-DEFECTIVE APOLIPOPROTEIN B; Hyperlipoproteinemia Type IIb; APOB-Related Familial Hypercholesterolemia, Autosomal Dominant. Identifiers: MedGen C1704417, MONDO:0007751, OMIM 144010.
Cardiovascular phenotype. Identifiers: MedGen CN230736.

gnomAD v4.1: 3 of 1,614,228 alleles (0.00019%); highest among the groups gnomAD compares: Admixed American, 0.0033%; no homozygotes.

Submissions (2):

Ambry Genetics
Classification: Uncertain significance for Cardiovascular phenotype. Last evaluated: 2026-07-02. Review status: criteria provided, single submitter. Criteria: Ambry Variant Classification Scheme 2023. Collection method: clinical testing. Allele origin: germline.
Comment: The p.A226D variant (also known as c.677C>A), located in coding exon 6 of the APOB gene, results from a C to A substitution at nucleotide position 677. The alanine at codon 226 is replaced by aspartic acid, an amino acid with dissimilar properties. This amino acid position is conserved. In addition, this alteration is predicted to be deleterious by in silico analysis. Based on the available evidence, the clinical significance of this variant remains unclear.

Labcorp Genetics (formerly Invitae), Labcorp
Classification: Likely benign for Familial hypobetalipoproteinemia 1; Hypercholesterolemia, autosomal dominant, type B. Last evaluated: 2024-04-17. Review status: criteria provided, single submitter. Criteria: Invitae Variant Classification Sherloc (09022015). Collection method: clinical testing. Allele origin: germline.